The following is an entry in ClinVar:

NM_001040716.2(PC):c.329dup (p.Asn110fs)

Gene: PC (pyruvate carboxylase; minus strand). Cytogenetic location: 11q13.2.
Variant type: Duplication.
Coding change: c.329dup on transcript NM_001040716.2 (MANE Select); coding-DNA position 329, one base duplicated (A; older notation c.329dupA).
Protein change: p.Asn110fs; shifts the reading frame from asparagine 110.
Molecular consequence: frameshift variant.
Genome position (GRCh38, 1-based): chr11:66,871,473, T duplicated on the plus strand (A on the coding strand, the reverse complement: PC is on the minus strand); the first of 2 consecutive T bases (chr11:66,871,473-66,871,474); duplicating either gives the same sequence. VCF-style (leftmost placement, unchanged base first): chr11-66871472-G-GT. GRCh37 (hg19) VCF-style: chr11-66638943-G-GT.
Other names: c.329dup, p.Asn110fs (NM_000920.4, NM_022172.3); short protein forms N110fs.
Identifiers: ClinVar variation 1726118 (VCV001726118.2), dbSNP rs2495791165, ClinGen allele CA2580084594.

ClinVar aggregate classification (germline): Likely pathogenic (1 of 4 stars; one submission).

Conditions:
Pyruvate carboxylase deficiency. Also called: ATAXIA WITH LACTIC ACIDOSIS II; LEIGH NECROTIZING ENCEPHALOPATHY DUE TO PYRUVATE CARBOXYLASE DEFICIENCY; LEIGH SYNDROME DUE TO PYRUVATE CARBOXYLASE DEFICIENCY; PC DEFICIENCY; Pyruvate Carboxylase Deficiency Disease. Identifiers: Orphanet 3008, MedGen C0034341, MONDO:0009949, OMIM 266150.

Submission:

Myriad Genetics, Inc.
Classification: Likely pathogenic for Pyruvate carboxylase deficiency. Last evaluated: 2022-05-18. Review status: criteria provided, single submitter. Criteria: Myriad Women's Health Autosomal Recessive and X-Linked Classification Criteria (2021). Collection method: clinical testing. Allele origin: unknown.
Comment: NM_000920.3(PC):c.329dupA(N110Kfs*14) is expected to be pathogenic in the context of pyruvate carboxylase deficiency. This variant is predicted to lead to an abnormal or absent protein product due to the creation of a premature termination codon in PC, a gene where loss-of-function variants are known to be pathogenic. Please note: this variant was assessed in the context of healthy population screening.